The following is an entry in ClinVar:

ClinVar aggregate classification (germline): Conflicting classifications of pathogenicity. Review status: criteria provided, conflicting classifications (1 of 4 stars). 3 submissions from 3 submitters: Uncertain significance (2); Likely benign (1). Last evaluated 2025-05-16.

Conditions:
Hereditary breast ovarian cancer syndrome. Also called: Hereditary breast and ovarian cancer; Breast and ovarian cancer; Hereditary breast and ovarian cancer syndrome; BRCA1- and BRCA2-Associated Hereditary Breast and Ovarian Cancer; Hereditary breast and/or ovarian cancer syndrome; Hereditary breast and ovarian cancer syndrome (HBOC). Identifiers: Orphanet 145, MedGen C0677776, MeSH D061325, MONDO:0003582. Disease mechanism: loss of function.
Hereditary cancer-predisposing syndrome. Also called: Tumor predisposition; Hereditary neoplastic syndrome; Hereditary Cancer Syndrome; Neoplastic Syndromes, Hereditary. Identifiers: Orphanet 140162, MedGen C0027672, MeSH D009386, MONDO:0015356.

Submissions (3):

Ambry Genetics
Classification: Uncertain significance for Hereditary cancer-predisposing syndrome. Last evaluated: 2025-05-16. Review status: criteria provided, single submitter. Criteria: Ambry Variant Classification Scheme 2023. Collection method: clinical testing. Allele origin: germline.
Comment: The p.D728V variant (also known as c.2183A>T), located in coding exon 10 of the BRCA2 gene, results from an A to T substitution at nucleotide position 2183. The aspartic acid at codon 728 is replaced by valine, an amino acid with highly dissimilar properties. This amino acid position is not well conserved in available vertebrate species. In addition, this alteration is predicted to be tolerated by in silico analysis. Based on the available evidence, the clinical significance of this variant remains unclear.

University of Washington Department of Laboratory Medicine, University of Washington
Classification: Likely benign for Hereditary cancer-predisposing syndrome. Last evaluated: 2023-03-23. Review status: criteria provided, single submitter. Criteria: Dines et al. (Genet Med. 2020). Collection method: curation. Allele origin: germline.
Comment: Missense variant in a coldspot region where missense variants are very unlikely to be pathogenic (PMID:31911673).

BRCA2 exon 11 coldspot. Reclassification based on statistical prior probability.

Labcorp Genetics (formerly Invitae), Labcorp
Classification: Uncertain significance for Hereditary breast ovarian cancer syndrome. Last evaluated: 2018-06-07. Review status: criteria provided, single submitter. Criteria: Invitae Variant Classification Sherloc (09022015). Collection method: clinical testing. Allele origin: germline.
Comment: This sequence change replaces aspartic acid with valine at codon 728 of the BRCA2 protein (p.Asp728Val). The aspartic acid residue is moderately conserved and there is a large physicochemical difference between aspartic acid and valine. This variant is not present in population databases (ExAC no frequency). This variant has not been reported in the literature in individuals with BRCA2-related disease. Algorithms developed to predict the effect of missense changes on protein structure and function are either unavailable or do not agree on the potential impact of this missense change (SIFT: "Deleterious"; PolyPhen-2: "Possibly Damaging"; Align-GVGD: "Class C0"). In summary, the available evidence is currently insufficient to determine the role of this variant in disease. Therefore, it has been classified as a Variant of Uncertain Significance.

NM_000059.4(BRCA2):c.2183A>T (p.Asp728Val)

Gene: BRCA2 (BRCA2 DNA repair associated; plus strand). Cytogenetic location: 13q13.1.
Variant type: single nucleotide variant.
Coding change: c.2183A>T on transcript NM_000059.4 (MANE Select); coding-DNA position 2183, A replaced by T.
Protein change: p.Asp728Val; replaces aspartic acid 728 with valine.
Molecular consequence: missense variant.
Genome position (GRCh38, 1-based): chr13:32,336,538, A>T. VCF-style: chr13-32336538-A-T. GRCh37 (hg19) VCF-style: chr13-32910675-A-T.
Other names: short protein forms D728V.
Identifiers: ClinVar variation 578283 (VCV000578283.11), dbSNP rs757577670, ClinGen allele CA387770385.